The following is an entry in ClinVar:

ClinVar aggregate classification (germline): Pathogenic (1 of 4 stars; one submission).

Allele frequency attached by ClinVar (database versions not stated): gnomAD exomes below 0.00001 and 0.00001; TOPMed below 0.00001.
gnomAD v4.1: 4 of 1,609,588 alleles (0.00025%); highest among the groups gnomAD compares: Non-Finnish European, 0.00034%; no homozygotes.

Submission:

Labcorp Genetics (formerly Invitae), Labcorp
Classification: Pathogenic. Last evaluated: 2023-03-09. Review status: criteria provided, single submitter. Criteria: Invitae Variant Classification Sherloc (09022015). Collection method: clinical testing. Allele origin: germline.
Comment: This sequence change affects codon 2282 of the COL7A1 mRNA. It is a 'silent' change, meaning that it does not change the encoded amino acid sequence of the COL7A1 protein. RNA analysis indicates that this variant induces altered splicing and likely results in a shortened protein product. For these reasons, this variant has been classified as Pathogenic. This variant disrupts the triple helix domain of COL7A1. Glycine residues within the Gly-Xaa-Yaa repeats of the triple helix domain are required for the structure and stability of fibrillar collagens (PMID: 7695699, 8218237, 19344236), and variants at these glycine residues in COL7A1 are more frequently observed in individuals with disease than in the general population (PMID: 22058051). However, the clinical significance of this observation remains uncertain since only a limited number of affected individuals have been described to date. Studies have shown that this variant results in skipping of 87, but is expected to preserve the integrity of the reading-frame (PMID: 21574979). ClinVar contains an entry for this variant (Variation ID: 1458601). This variant has been observed in individual(s) with autosomal dominant dystrophic epidermolysis bullosa (PMID: 21574979). It has also been observed to segregate with disease in related individuals. The frequency data for this variant in the population databases is considered unreliable, as metrics indicate poor data quality at this position in the gnomAD database.

Literature cited by the submitters: PubMed 7695699; PubMed 8218237; PubMed 19344236; PubMed 22058051; PubMed 21574979.

NM_000094.4(COL7A1):c.6846G>C (p.Leu2282=)

Gene: COL7A1 (collagen type VII alpha 1 chain; minus strand). Cytogenetic location: 3p21.31.
Variant type: single nucleotide variant.
Coding change: c.6846G>C on transcript NM_000094.4 (MANE Select); coding-DNA position 6846, G replaced by C.
Protein change: p.Leu2282=; no amino-acid change (leucine 2282 retained).
Molecular consequence: synonymous variant.
Genome position (GRCh38, 1-based): chr3:48,572,725, C>G on the plus strand (G>C on the coding strand, the complement: COL7A1 is on the minus strand). VCF-style: chr3-48572725-C-G. GRCh37 (hg19) VCF-style: chr3-48610158-C-G.
Identifiers: ClinVar variation 1458601 (VCV001458601.8), dbSNP rs1355509467, ClinGen allele CA433535415.